The following is an entry in ClinVar:

ClinVar aggregate classification (germline): Pathogenic/Likely pathogenic. Review status: criteria provided, multiple submitters, no conflicts (2 of 4 stars). 4 submissions from 4 submitters: Pathogenic (1); Likely pathogenic (2). 1 of the submissions does not count toward it. Last evaluated 2025-04-23.

Conditions:
Medium-chain acyl-coenzyme A dehydrogenase deficiency (ACADMD). Also called: Medium chain acyl-CoA dehydrogenase deficiency; CARNITINE DEFICIENCY SECONDARY TO MEDIUM-CHAIN ACYL-CoA DEHYDROGENASE DEFICIENCY; MCADD; MCAD Deficiency; MCADH DEFICIENCY; ACADM DEFICIENCY. Identifiers: Orphanet 42, MedGen C0220710, MONDO:0008721, OMIM 201450.

Submissions (4):

Labcorp Genetics (formerly Invitae), Labcorp
Classification: Pathogenic for Medium-chain acyl-coenzyme A dehydrogenase deficiency. Last evaluated: 2025-04-23. Review status: criteria provided, single submitter. Criteria: Invitae Variant Classification Sherloc (09022015). Collection method: clinical testing. Allele origin: germline.
Comment: This variant, c.536_568del, results in the deletion of 11 amino acid(s) of the ACADM protein (p.Lys179_Lys189del), but otherwise preserves the integrity of the reading frame. This variant is not present in population databases (gnomAD no frequency). This variant has not been reported in the literature in individuals affected with ACADM-related conditions. ClinVar contains an entry for this variant (Variation ID: 557739). This variant disrupts a region of the ACADM protein in which other variant(s) (p.Asp181Gly) have been determined to be pathogenic (PMID: 23430840). This suggests that this is a clinically significant region of the protein, and that variants that disrupt it are likely to be disease-causing. For these reasons, this variant has been classified as Pathogenic.

Natera, Inc.
Classification: Likely pathogenic for Medium Chain Acyl-CoA Dehydrogenase Deficiency. Last evaluated: 2025-04-01. Review status: criteria provided, single submitter. Criteria: Natera Variant Classification Schema (03/2026). Collection method: clinical testing. Allele origin: germline.
Comment: The c.536_568delAAGGAGATGAGTATATTATTAATGGTCAGAAGA variant in ACADM is an in-frame deletion. This variant is rare in the general population with a frequency below the threshold expected for the associated phenotype(s). This variant results in a change to the protein length while preserving reading frame, which may disrupt normal protein structure or function. A different variant at the same position has been determined to be Pathogenic or Likely Pathogenic. Given the available evidence, this variant is classified as Likely Pathogenic.

Baylor Genetics
Classification: Likely pathogenic for Medium-chain acyl-coenzyme A dehydrogenase deficiency. Last evaluated: 2023-02-22. Review status: criteria provided, single submitter. Criteria: ACMG Guidelines, 2015. Collection method: clinical testing. Allele origin: unknown.

Counsyl
Classification: Uncertain significance for Medium-chain acyl-coenzyme A dehydrogenase deficiency. Last evaluated: 2018-04-11. Review status: no assertion criteria provided. Collection method: clinical testing. Allele origin: unknown. Not counted in ClinVar's aggregate classification.

Literature cited by the submitters: PubMed 23430840 (cited by Labcorp Genetics (formerly Invitae), Labcorp).

NM_000016.6(ACADM):c.536_568del (p.Lys179_Lys189del)

Gene: ACADM (acyl-CoA dehydrogenase medium chain; plus strand). Cytogenetic location: 1p31.1.
Variant type: Deletion.
Coding change: c.536_568del on transcript NM_000016.6 (MANE Select); coding-DNA positions 536 to 568, 33 bases deleted.
Protein change: p.Lys179_Lys189del.
Molecular consequence: inframe deletion. On other transcripts: initiator codon variant (1).
Genome position (GRCh38, 1-based): chr1:75,740,047-75,740,079, 33 bases deleted; deleting any 33 consecutive bases within chr1:75,740,043-75,740,079 gives the same sequence; the c. name uses the placement nearest the transcript's 3' end. GRCh37 (hg19): chr1:76,205,732-76,205,764.
Other names: c.548_580del, p.Lys183_Lys193del (NM_001127328.3); c.428_460del, p.Lys143_Lys153del (NM_001286042.2); c.635_667del, p.Lys212_Lys222del (NM_001286043.2); c.-32_1del, p.Met1del (NM_001286044.2); c.536_568delAAGGAGATGAGTATATTATTAATGGTCAGAAGA (NM_000016.5); short protein forms M1del.
Identifiers: ClinVar variation 557739 (VCV000557739.9), dbSNP rs1553123869, ClinGen allele CA658821081.